The following is an entry in ClinVar:

ClinVar aggregate classification (germline): Pathogenic. Review status: criteria provided, multiple submitters, no conflicts (2 of 4 stars). 4 submissions from 4 submitters: Pathogenic (4). Last evaluated 2025-07-17.

Conditions:
Becker muscular dystrophy, Cardiomyopathy, Duchenne muscular dystrophy, Dystrophin deficiency.
Duchenne muscular dystrophy (DMD). Also called: Duchenne Muscular Dystrophy (DMD); MUSCULAR DYSTROPHY, PSEUDOHYPERTROPHIC PROGRESSIVE, DUCHENNE TYPE. Identifiers: Orphanet 98896, MedGen C0013264, MONDO:0010679, OMIM 310200.

Submissions (4):

Natera, Inc.
Classification: Pathogenic for Becker muscular dystrophy, Cardiomyopathy, Duchenne muscular dystrophy, Dystrophin deficiency. Last evaluated: 2025-07-17. Review status: criteria provided, single submitter. Criteria: Natera Variant Classification Schema (03/2026). Collection method: clinical testing. Allele origin: germline.
Comment: The c.10453del variant in DMD is a frameshift variant predicted to shift the reading frame and introduce a stop codon. This variant is expected to result in nonsense mediated decay, truncation, or a dysfunctional protein product. This variant is rare in the general population with a frequency below the threshold expected for the associated phenotype(s). This variant has been observed in affected individual(s) with monoallelic occurrence (heterozygous/hemizygous) (PMID: 17259292, 20485447, 31671740, 34327855, 39182149). Given the available evidence, this variant is classified as Pathogenic.

Labcorp Genetics (formerly Invitae), Labcorp
Classification: Pathogenic for Duchenne muscular dystrophy. Last evaluated: 2024-02-13. Review status: criteria provided, single submitter. Criteria: Invitae Variant Classification Sherloc (09022015). Collection method: clinical testing. Allele origin: germline.
Comment: This sequence change creates a premature translational stop signal (p.Leu3485*) in the DMD gene. It is expected to result in an absent or disrupted protein product. Loss-of-function variants in DMD are known to be pathogenic (PMID: 16770791, 25007885). This variant is not present in population databases (gnomAD no frequency). This premature translational stop signal has been observed in individuals with Duchenne muscular dystrophy and Becker muscular dystrophy (PMID: 17259292, 20485447, 21520333). ClinVar contains an entry for this variant (Variation ID: 286396). For these reasons, this variant has been classified as Pathogenic.

Revvity Omics, Revvity
Classification: Pathogenic. Last evaluated: 2020-09-14. Review status: criteria provided, single submitter. Criteria: ACMG Guidelines, 2015. Collection method: clinical testing. Allele origin: germline.

Eurofins Ntd Llc (ga)
Classification: Pathogenic. Last evaluated: 2016-02-29. Review status: criteria provided, single submitter. Criteria: EGL Classification Definitions 2015. Collection method: clinical testing. Allele origin: germline. Observed: 1 variant allele, 1 hemizygote.

Literature cited by the submitters: PubMed 17259292 (cited by Natera, Inc. and Labcorp Genetics (formerly Invitae), Labcorp); PubMed 20485447 (cited by Natera, Inc. and Labcorp Genetics (formerly Invitae), Labcorp); PubMed 31671740 (cited by Natera, Inc.); PubMed 34327855 (cited by Natera, Inc.); PubMed 39182149 (cited by Natera, Inc.); PubMed 16770791 (cited by Labcorp Genetics (formerly Invitae), Labcorp); PubMed 25007885 (cited by Labcorp Genetics (formerly Invitae), Labcorp); PubMed 21520333 (cited by Labcorp Genetics (formerly Invitae), Labcorp).

NM_004006.3(DMD):c.10453del (p.Pro3484_Leu3485insTer)

Gene: DMD (dystrophin; minus strand). Cytogenetic location: Xp21.2.
Variant type: Deletion.
Coding change: c.10453del on transcript NM_004006.3 (MANE Select); coding-DNA position 10453, one base deleted (C; older notation c.10453delC).
Protein change: p.Pro3484_Leu3485insTer.
Molecular consequence: nonsense. On other transcripts: intron variant (2).
Genome position (GRCh38, 1-based): chrX:31,169,543, G deleted on the plus strand (C on the coding strand, the reverse complement: DMD is on the minus strand); the first of 6 consecutive G bases (chrX:31,169,543-31,169,548); deleting any one gives the same sequence. VCF-style (leftmost placement, unchanged base first): chrX-31169542-AG-A. GRCh37 (hg19) VCF-style: chrX-31187659-AG-A.
Other names: c.10429del, p.Pro3476_Leu3477insTer (NM_000109.4); c.10441del, p.Pro3480_Leu3481insTer (NM_004009.3); c.10084del, p.Pro3361_Leu3362insTer (NM_004010.3); c.6430del, p.Pro2143_Leu2144insTer (NM_004011.4); c.6421del, p.Pro2140_Leu2141insTer (NM_004012.4); c.3073del, p.Pro1024_Leu1025insTer (NM_004013.3, NM_004021.3); c.2266del, p.Pro755_Leu756insTer (NM_004014.3); c.1249del, p.Pro416_Leu417insTer (NM_004015.3, NM_004016.3); and 3 more.
Identifiers: ClinVar variation 286396 (VCV000286396.14), dbSNP rs886043375, ClinGen allele CA10605447.
Genomic context (GRCh38, chrX:31,169,542, plus strand): 5'-TCCCCTCTTTCCTCACTCTCTAAGGAAATCAAGATCTGGGCAGGACTACGAGGCTGGCTC[AG>A]GGGGGAGTCCTGGTTCAAACTTTGGCAGTAATGCTGGATTAACAAATGTTCATCATCTCT-3'